The following is an entry in ClinVar:

ClinVar aggregate classification (germline): Likely pathogenic (1 of 4 stars; one submission).

Conditions:
Glutaric aciduria, type 1. Also called: Glutaricaciduria, type I; Glutaric Acidemia Type 1; GA I; Glutaryl-CoA dehydrogenase deficiency; Glutaric acidemia type I; Glutaricacidemia Type 1. Identifiers: Orphanet 25, MedGen C0268595, MONDO:0009281, OMIM 231670.

Submission:

Laboratory for Molecular Medicine, Mass General Brigham Personalized Medicine
Classification: Likely pathogenic for Glutaric aciduria, type 1. Last evaluated: 2022-08-30. Review status: criteria provided, single submitter. Criteria: ACMG Guidelines, 2015. Collection method: clinical testing. Allele origin: germline.
Comment: The p.Ser189LysfsX41 variant in GCDH has not been reported in individuals with glutaric aciduria type 1 and was absent from large population studies. This variant is predicted to cause a frameshift, which alters the protein’s amino acid sequence beginning at position 189 and leads to a premature termination codon 41 amino acids downstream. Loss of function of the GCDH gene is an established disease mechanism in autosomal recessive glutaric aciduria type 1 . In summary, although additional studies are required to fully establish its clinical significance, this variant meets criteria to be classified as likely pathogenic for autosomal recessive glutaric aciduria type 1 . ACMG/AMP criteria applied: PVS1, PM2_Supporting.

NM_000159.4(GCDH):c.565dup (p.Ser189fs)

Gene: GCDH (glutaryl-CoA dehydrogenase; plus strand). Cytogenetic location: 19p13.13.
Variant type: Duplication.
Coding change: c.565dup on transcript NM_000159.4 (MANE Select); coding-DNA position 565, one base duplicated (A; older notation c.565dupA).
Protein change: p.Ser189fs; shifts the reading frame from serine 189.
Molecular consequence: frameshift variant. On other transcripts: non-coding transcript variant (2).
Genome position (GRCh38, 1-based): chr19:12,896,051, A duplicated. VCF-style (leftmost placement, unchanged base first): chr19-12896050-C-CA. GRCh37 (hg19) VCF-style: chr19-13006864-C-CA.
Other names: c.565dup, p.Ser189fs (NM_013976.5); short protein forms S189fs.
Identifiers: ClinVar variation 3075893 (VCV003075893.1), dbSNP rs2512572865, ClinGen allele CA2825002753.